The following is an entry in ClinVar:

NM_024570.4(RNASEH2B):c.18C>T (p.Asp6=)

Genes: RNASEH2B (ribonuclease H2 subunit B; plus strand), RNASEH2B-AS1 (RNASEH2B antisense RNA 1; minus strand), LOC130009810 (ATAC-STARR-seq lymphoblastoid silent region 5362; plus strand). Cytogenetic location: 13q14.3.
Variant type: single nucleotide variant.
Coding change: c.18C>T on transcript NM_024570.4 (MANE Select); coding-DNA position 18, C replaced by T.
Protein change: p.Asp6=; no amino-acid change (aspartic acid 6 retained).
Molecular consequence: synonymous variant.
Genome position (GRCh38, 1-based): chr13:50,910,094, C>T. VCF-style: chr13-50910094-C-T. GRCh37 (hg19) VCF-style: chr13-51484230-C-T.
Other names: c.18C>T (NM_024570.3); c.18C>T, p.Asp6= (NM_001142279.2).
Identifiers: ClinVar variation 1576376 (VCV001576376.9), dbSNP rs2137866261, ClinGen allele CA483836148.
Genomic context (GRCh38, chr13:50,910,094, plus strand): 5'-CCCGCGGCGCTGAGCCTGCGGCGCCCCGGAAGAGGCGGGCGGCATGGCCGCTGGCGTGGA[C>T]TGCGGGGACGGGGTTGGCGCCCGGCAGCACGTGTTCCTGGTTTCAGGTAAACACGCGCGC-3'
Protein context (NP_078846.2, residues 1-16): MAAGV[Asp6=]CGDGVGARQH

ClinVar aggregate classification (germline): Conflicting classifications of pathogenicity. Review status: criteria provided, conflicting classifications (1 of 4 stars). 2 submissions from 2 submitters: Uncertain significance (1); Likely benign (1). Last evaluated 2025-03-30.

Conditions:
RNASEH2B-related disorder. Also called: RNASEH2B-related condition.
Aicardi-Goutieres syndrome 2. Identifiers: Orphanet 51, MedGen C3489724, MONDO:0012429, OMIM 610181.

Submissions (2):

Labcorp Genetics (formerly Invitae), Labcorp
Classification: Likely benign for Aicardi-Goutieres syndrome 2. Last evaluated: 2025-03-30. Review status: criteria provided, single submitter. Criteria: Invitae Variant Classification Sherloc (09022015). Collection method: clinical testing. Allele origin: germline.

PreventionGenetics, part of Exact Sciences
Classification: Uncertain significance for RNASEH2B-related condition. Last evaluated: 2023-01-19. Review status: criteria provided, single submitter. Criteria: ACMG Guidelines, 2015. Collection method: clinical testing. Allele origin: germline.
Comment: The RNASEH2B c.18C>T variant is not predicted to result in an amino acid change (p.=). To our knowledge, this variant has not been reported in the literature or in a large population database, indicating this variant is rare. Although we suspect that this variant may be benign, at this time, the clinical significance of this variant is uncertain due to the absence of conclusive functional and genetic evidence.